The following is an entry in ClinVar:

ClinVar aggregate classification (germline): Uncertain significance (1 of 4 stars; one submission).

Submission:

CeGaT Center for Human Genetics Tuebingen
Classification: Uncertain significance. Last evaluated: 2023-08-01. Review status: criteria provided, single submitter. Criteria: CeGaT Center For Human Genetics Tuebingen Variant Classification Criteria Version 2. Collection method: clinical testing. Allele origin: germline. Affected: yes. Observed: 2 variant alleles.
Comment: GPKOW: PM2:Supporting, BP4

NM_015698.6(GPKOW):c.498C>T (p.Ala166=)

Gene: GPKOW (G-patch domain and KOW motifs; minus strand). Cytogenetic location: Xp11.23.
Variant type: single nucleotide variant.
Coding change: c.498C>T on transcript NM_015698.6 (MANE Select); coding-DNA position 498, C replaced by T.
Protein change: p.Ala166=; no amino-acid change (alanine 166 retained).
Molecular consequence: synonymous variant.
Genome position (GRCh38, 1-based): chrX:49,119,773, G>A on the plus strand (C>T on the coding strand, the complement: GPKOW is on the minus strand). VCF-style: chrX-49119773-G-A. GRCh37 (hg19) VCF-style: chrX-48976126-G-A.
Identifiers: ClinVar variation 2660510 (VCV002660510.24), dbSNP rs2520312596, ClinGen allele CA516038959.